The following is an entry in ClinVar:

ClinVar aggregate classification (germline): Pathogenic/Likely pathogenic. Review status: criteria provided, multiple submitters, no conflicts (2 of 4 stars). 3 submissions from 3 submitters: Pathogenic (2); Likely pathogenic (1). Last evaluated 2024-04-09.

Conditions:
Familial cancer of breast. Also called: hereditary breast carcinoma; BREAST CANCER, FAMILIAL; Hereditary breast cancer. Identifiers: Orphanet 227535, MedGen C0346153, MONDO:0016419, OMIM 114480. Disease mechanism: loss of function.
Ataxia-telangiectasia syndrome (AT). Also called: Ataxia-telangiectasia, complementation group E; LOUIS-BAR SYNDROME; Ataxia-telangiectasia, complementation group D; AT, COMPLEMENTATION GROUP C; Ataxia-telangiectasia; Cerebello-oculocutaneous telangiectasia. Identifiers: Orphanet 100, MedGen C0004135, MONDO:0008840, OMIM 208900.

Allele frequency attached by ClinVar (database versions not stated): gnomAD exomes below 0.00001.
gnomAD v4.1: 3 of 1,611,190 alleles (0.00019%); highest among the groups gnomAD compares: Non-Finnish European, 0.00025%; no homozygotes.

Submissions (3):

Myriad Genetics, Inc.
Classification: Pathogenic for Familial cancer of breast. Last evaluated: 2024-04-09. Review status: criteria provided, single submitter. Criteria: Myriad Autosomal Dominant, Autosomal Recessive and X-Linked Classification Criteria (2023). Collection method: clinical testing. Allele origin: unknown.
Comment: This variant is considered pathogenic. This variant creates a termination codon and is predicted to result in premature protein truncation.

Baylor Genetics
Classification: Likely pathogenic for Familial cancer of breast. Last evaluated: 2023-05-15. Review status: criteria provided, single submitter. Criteria: ACMG Guidelines, 2015. Collection method: clinical testing. Allele origin: unknown.

Labcorp Genetics (formerly Invitae), Labcorp
Classification: Pathogenic for Ataxia-telangiectasia syndrome. Last evaluated: 2022-08-10. Review status: criteria provided, single submitter. Criteria: Invitae Variant Classification Sherloc (09022015). Collection method: clinical testing. Allele origin: germline.
Comment: This sequence change creates a premature translational stop signal (p.Gln628*) in the ATM gene. It is expected to result in an absent or disrupted protein product. Loss-of-function variants in ATM are known to be pathogenic (PMID: 23807571, 25614872). This variant is not present in population databases (gnomAD no frequency). This variant has not been reported in the literature in individuals affected with ATM-related conditions. ClinVar contains an entry for this variant (Variation ID: 1454260). For these reasons, this variant has been classified as Pathogenic.

Literature cited by the submitters: PubMed 23807571 (cited by Labcorp Genetics (formerly Invitae), Labcorp); PubMed 25614872 (cited by Labcorp Genetics (formerly Invitae), Labcorp).

NM_000051.4(ATM):c.1882C>T (p.Gln628Ter)

Gene: ATM (ATM serine/threonine kinase; plus strand). Cytogenetic location: 11q22.3.
Variant type: single nucleotide variant.
Coding change: c.1882C>T on transcript NM_000051.4 (MANE Select); coding-DNA position 1882, C replaced by T.
Protein change: p.Gln628Ter; replaces glutamine 628 with a stop codon.
Molecular consequence: nonsense.
Genome position (GRCh38, 1-based): chr11:108,252,896, C>T. VCF-style: chr11-108252896-C-T. GRCh37 (hg19) VCF-style: chr11-108123623-C-T.
Other names: c.1882C>T, p.Gln628Ter (NM_001351834.2); short protein forms Q628*.
Identifiers: ClinVar variation 1454260 (VCV001454260.8), dbSNP rs2135354813, ClinGen allele CA382536029.